The following is an entry in ClinVar:

ClinVar aggregate classification (germline): Likely benign (1 of 4 stars; one submission).

Allele frequency attached by ClinVar (database versions not stated): gnomAD exomes 0.00002 and 0.00003; ExAC 0.00006; ESP Exome Variant Server 0.00009; gnomAD 0.00018 and 0.00019; TOPMed 0.00019; 1000 Genomes Project 0.00026; 1000 Genomes Project 30x 0.00042.

Submission:

GeneDx
Classification: Likely benign. Last evaluated: 2016-03-22. Review status: criteria provided, single submitter. Criteria: GeneDx Variant Classification (06012015). Collection method: clinical testing. Allele origin: germline. Affected: yes.
Comment: This variant is considered likely benign or benign based on one or more of the following criteria: it is a conservative change, it occurs at a poorly conserved position in the protein, it is predicted to be benign by multiple in silico algorithms, and/or has population frequency not consistent with disease.

NM_001079855.2(GYG2):c.-23C>G

Gene: GYG2 (glycogenin 2; plus strand). Cytogenetic location: Xp22.33.
Variant type: single nucleotide variant.
Coding change: c.-23C>G on transcript NM_001079855.2 (MANE Select); 23 bases upstream of the start codon, C replaced by G.
Molecular consequence: 5 prime UTR variant.
Genome position (GRCh38, 1-based): chrX:2,830,166, C>G. VCF-style: chrX-2830166-C-G. GRCh37 (hg19) VCF-style: chrX-2748207-C-G.
Other names: c.-23C>G (NM_001184702.2, NM_001184703.2, NM_003918.3); c.-346C>G (NM_001184704.2).
Identifiers: ClinVar variation 383904 (VCV000383904.1), dbSNP rs371370358, ClinGen allele CA10336954.
Genomic context (GRCh38, chrX:2,830,166, plus strand): 5'-CGGGTTCGTGGCGAGGAAGTCCACCCACTGCTCCCGGGCGCAGGTCTGCAGGTCCGCGCC[C>G]ACTGCCCGCGGCGCCACTGACCATGTCGGGTGAGTAGCTCAAGCTGCTTCAGTTCAGCCT-3'